The following is an entry in ClinVar:

NM_014014.5(SNRNP200):c.87C>T (p.Asp29=)

Gene: SNRNP200 (small nuclear ribonucleoprotein U5 subunit 200; minus strand). Cytogenetic location: 2q11.2.
Variant type: single nucleotide variant.
Coding change: c.87C>T on transcript NM_014014.5 (MANE Select); coding-DNA position 87, C replaced by T.
Protein change: p.Asp29=; no amino-acid change (aspartic acid 29 retained).
Molecular consequence: synonymous variant.
Genome position (GRCh38, 1-based): chr2:96,304,827, G>A on the plus strand (C>T on the coding strand, the complement: SNRNP200 is on the minus strand). VCF-style: chr2-96304827-G-A. GRCh37 (hg19) VCF-style: chr2-96970565-G-A.
Identifiers: ClinVar variation 896418 (VCV000896418.15), dbSNP rs140629902, ClinGen allele CA1779263.

ClinVar aggregate classification (germline): Conflicting classifications of pathogenicity. Review status: criteria provided, conflicting classifications (1 of 4 stars). 4 submissions from 4 submitters: Uncertain significance (1); Likely benign (2). 1 of the submissions does not count toward it. Last evaluated 2025-12-03.

Conditions:
SNRNP200-related disorder. Also called: SNRNP200-related condition.
Retinitis pigmentosa (RP). Identifiers: Orphanet 791, MedGen C0035334, MeSH D012174, MONDO:0019200, OMIM 268000. Inheritance: Autosomal dominant, autosomal recessive and X linked inheritance.

Allele frequency attached by ClinVar (database versions not stated): gnomAD 0.00009 and 0.00010; TOPMed 0.00012; ExAC 0.00013; gnomAD exomes 0.00017 and 0.00028; ESP Exome Variant Server 0.00031.
gnomAD v4.1: 415 of 1,614,172 alleles (0.026%); highest among the groups gnomAD compares: Non-Finnish European, 0.034%; no homozygotes.

Submissions (4):

Labcorp Genetics (formerly Invitae), Labcorp
Classification: Likely benign. Last evaluated: 2025-12-03. Review status: criteria provided, single submitter. Criteria: Invitae Variant Classification Sherloc (09022015). Collection method: clinical testing. Allele origin: germline.

Blueprint Genetics
Classification: Likely benign. Last evaluated: 2024-11-06. Review status: criteria provided, single submitter. Criteria: ACMG Guidelines, 2015. Collection method: clinical testing. Allele origin: germline.

Illumina Laboratory Services, Illumina
Classification: Uncertain significance for Retinitis pigmentosa. Last evaluated: 2018-01-13. Review status: criteria provided, single submitter. Criteria: ICSL Variant Classification Criteria 13 December 2019. Collection method: clinical testing. Allele origin: germline.

PreventionGenetics, part of Exact Sciences
Classification: Likely benign for SNRNP200-related condition. Last evaluated: 2020-04-20. Review status: no assertion criteria provided. Collection method: clinical testing. Allele origin: germline. Not counted in ClinVar's aggregate classification.
Comment: This variant is classified as likely benign based on ACMG/AMP sequence variant interpretation guidelines (Richards et al. 2015 PMID: 25741868, with internal and published modifications).